The following is an entry in ClinVar:

ClinVar aggregate classification (germline): Uncertain significance. Review status: criteria provided, multiple submitters, no conflicts (2 of 4 stars). 2 submissions from 2 submitters: Uncertain significance (2). Last evaluated 2025-12-11.

Conditions:
Inborn genetic diseases. Identifiers: MedGen C0950123, MeSH D030342.

Allele frequency attached by ClinVar (database versions not stated): gnomAD 0.00001; ESP Exome Variant Server 0.00008; TOPMed 0.00001; ExAC 0.00001.
gnomAD v4.1: 19 of 1,601,964 alleles (0.0012%); highest among the groups gnomAD compares: Non-Finnish European, 0.0015%; no homozygotes.

Submissions (2):

Ambry Genetics
Classification: Uncertain significance for Inborn genetic diseases. Last evaluated: 2025-12-11. Review status: criteria provided, single submitter. Criteria: Ambry Variant Classification Scheme 2023. Collection method: clinical testing. Allele origin: germline.

Labcorp Genetics (formerly Invitae), Labcorp
Classification: Uncertain significance. Last evaluated: 2022-04-15. Review status: criteria provided, single submitter. Criteria: Invitae Variant Classification Sherloc (09022015). Collection method: clinical testing. Allele origin: germline.
Comment: This sequence change replaces glycine, which is neutral and non-polar, with arginine, which is basic and polar, at codon 1391 of the MCM3AP protein (p.Gly1391Arg). This variant is present in population databases (rs372959104, gnomAD 0.0009%). This variant has not been reported in the literature in individuals affected with MCM3AP-related conditions. Algorithms developed to predict the effect of missense changes on protein structure and function are either unavailable or do not agree on the potential impact of this missense change (SIFT: "Tolerated"; PolyPhen-2: "Possibly Damaging"; Align-GVGD: "Class C0"). In summary, the available evidence is currently insufficient to determine the role of this variant in disease. Therefore, it has been classified as a Variant of Uncertain Significance.

NM_003906.5(MCM3AP):c.4171G>C (p.Gly1391Arg)

Genes: MCM3AP (minichromosome maintenance complex component 3 associated protein; minus strand), MCM3AP-AS1 (MCM3AP antisense RNA 1; plus strand). Cytogenetic location: 21q22.3.
Variant type: single nucleotide variant.
Coding change: c.4171G>C on transcript NM_003906.5 (MANE Select); coding-DNA position 4171, G replaced by C.
Protein change: p.Gly1391Arg; replaces glycine 1391 with arginine.
Molecular consequence: missense variant. On other transcripts: non-coding transcript variant (2).
Genome position (GRCh38, 1-based): chr21:46,251,648, C>G on the plus strand (G>C on the coding strand, the complement: MCM3AP is on the minus strand). VCF-style: chr21-46251648-C-G. GRCh37 (hg19) VCF-style: chr21-47671562-C-G.
Other names: c.4171G>C (NM_003906.3); short protein forms G1391R.
Identifiers: ClinVar variation 1940587 (VCV001940587.3), dbSNP rs372959104, ClinGen allele CA10076206.